The following is an entry in ClinVar:

ClinVar aggregate classification (germline): Pathogenic (1 of 4 stars; one submission).

Submission:

Labcorp Genetics (formerly Invitae), Labcorp
Classification: Pathogenic. Last evaluated: 2023-04-30. Review status: criteria provided, single submitter. Criteria: Invitae Variant Classification Sherloc (09022015). Collection method: clinical testing. Allele origin: germline.
Comment: For these reasons, this variant has been classified as Pathogenic. This variant has not been reported in the literature in individuals affected with EIF2B4-related conditions. This variant is present in population databases (rs761106515, gnomAD 0.009%). This sequence change creates a premature translational stop signal (p.Arg29Glufs*68) in the EIF2B4 gene. It is expected to result in an absent or disrupted protein product. Loss-of-function variants in EIF2B4 are known to be pathogenic (PMID: 11835386, 15776425, 16807905).

Literature cited by the submitters: PubMed 11835386; PubMed 15776425; PubMed 16807905.

NM_001034116.2(EIF2B4):c.84dup (p.Arg29fs)

Gene: EIF2B4 (eukaryotic translation initiation factor 2B subunit delta; minus strand). Cytogenetic location: 2p23.3.
Variant type: Duplication.
Coding change: c.84dup on transcript NM_001034116.2 (MANE Select); coding-DNA position 84, one base duplicated (G; older notation c.84dupG).
Protein change: p.Arg29fs; shifts the reading frame from arginine 29.
Molecular consequence: frameshift variant. On other transcripts: 5 prime UTR variant (3).
Genome position (GRCh38, 1-based): chr2:27,369,541, C duplicated on the plus strand (G on the coding strand, the reverse complement: EIF2B4 is on the minus strand); the first of 4 consecutive C bases (chr2:27,369,541-27,369,544); duplicating any one gives the same sequence. VCF-style (leftmost placement, unchanged base first): chr2-27369540-T-TC. GRCh37 (hg19) VCF-style: chr2-27592407-T-TC.
Other names: c.147dup, p.Arg50fs (NM_001318965.2, NM_172195.4); c.39dup, p.Arg14fs (NM_001318966.2); c.-7dup (NM_001318967.2); c.-432dup (NM_001318968.2); c.-509dup (NM_001318969.2); c.84dup, p.Arg29fs (NM_015636.4); short protein forms R14fs, R29fs, R50fs.
Identifiers: ClinVar variation 2782086 (VCV002782086.3), dbSNP rs761106515, ClinGen allele CA1577015.